The following is an entry in ClinVar:

NM_001093.4(ACACB):c.6749G>T (p.Arg2250Met)

Gene: ACACB (acetyl-CoA carboxylase beta; plus strand). Cytogenetic location: 12q24.11.
Variant type: single nucleotide variant.
Coding change: c.6749G>T on transcript NM_001093.4 (MANE Select); coding-DNA position 6749, G replaced by T.
Protein change: p.Arg2250Met; replaces arginine 2250 with methionine.
Molecular consequence: missense variant.
Genome position (GRCh38, 1-based): chr12:109,262,431, G>T. VCF-style: chr12-109262431-G-T. GRCh37 (hg19) VCF-style: chr12-109700236-G-T.
Other names: c.6749G>T (NM_001093.3); c.6749G>T, p.Arg2250Met (NM_001412734.1, NM_001412735.1); c.6143G>T, p.Arg2048Met (NM_001412736.1); c.6122G>T, p.Arg2041Met (NM_001412737.1); c.5954G>T, p.Arg1985Met (NM_001412738.1); short protein forms R1985M, R2041M, R2048M, R2250M.
Identifiers: ClinVar variation 2643269 (VCV002643269.25), dbSNP rs149957235, ClinGen allele CA6775203.
Genomic context (GRCh38, chr12:109,262,431, plus strand): 5'-AACCAGAGGGGACAGTGGAGATTAAGTTCCGAAAGAAAGATCTGATAAAGTCCATGAGAA[G>T]GATCGATCCAGCTTACAAGAAGCTCATGGAACAGCTAGGTAAGGGGGTCCCAAAGGCTTC-3'
Protein context (NP_001084.3, residues 2240-2260): RKKDLIKSMR[Arg2250Met]IDPAYKKLME

ClinVar aggregate classification (germline): Benign/Likely benign. Review status: criteria provided, multiple submitters, no conflicts (2 of 4 stars). 2 submissions from 2 submitters: Benign (1); Likely benign (1). Last evaluated 2025-08-20.

Conditions:
ACACB-related disorder. Also called: ACACB-related condition.

Allele frequency attached by ClinVar (database versions not stated): gnomAD exomes 0.00010; ExAC 0.00028; 1000 Genomes Project 30x 0.00062; gnomAD 0.00072; ESP Exome Variant Server 0.00077; 1000 Genomes Project 0.00080; TOPMed 0.00092.
gnomAD v4.1: 265 of 1,613,810 alleles (0.016%); highest among the groups gnomAD compares: African/African-American, 0.28%; 1 homozygote.

Submissions (2):

PreventionGenetics, part of Exact Sciences
Classification: Likely benign for ACACB-related condition. Last evaluated: 2025-08-20. Review status: criteria provided, single submitter. Criteria: ACMG Guidelines, 2015. Collection method: clinical testing. Allele origin: germline.
Comment: This variant is classified as likely benign based on ACMG/AMP sequence variant interpretation guidelines (Richards et al. 2015 PMID: 25741868, with internal and published modifications).

CeGaT Center for Human Genetics Tuebingen
Classification: Benign. Last evaluated: 2022-09-01. Review status: criteria provided, single submitter. Criteria: CeGaT Center For Human Genetics Tuebingen Variant Classification Criteria Version 2. Collection method: clinical testing. Allele origin: germline. Affected: yes. Observed: 1 variant allele.
Comment: ACACB: BS1, BS2